The following is an entry in ClinVar:

ClinVar aggregate classification (germline): Likely pathogenic (1 of 4 stars; one submission).

Conditions:
LAMA2-related muscular dystrophy (LAMA2-RD). Also called: Laminin alpha 2-related dystrophy. Identifiers: MedGen C5679788, MONDO:0100228.

Submission:

Myriad Genetics, Inc.
Classification: Likely pathogenic for LAMA2-related muscular dystrophy. Last evaluated: 2022-05-26. Review status: criteria provided, single submitter. Criteria: Myriad Autosomal Dominant, Autosomal Recessive and X-Linked Classification Criteria (2023). Collection method: clinical testing. Allele origin: unknown.
Comment: NM_000426.3(LAMA2):c.7771_7772delAAinsT(N2591Sfs*16) is expected to be pathogenic in the context of muscular dystrophy, LAMA2-related. This variant is predicted to lead to an abnormal or absent protein product due to the creation of a premature termination codon in LAMA2, a gene where loss-of-function variants are known to be pathogenic. Please note: this variant was assessed in the context of healthy population screening.

NM_000426.4(LAMA2):c.7771_7772delinsT (p.Asn2591fs)

Gene: LAMA2 (laminin subunit alpha 2; plus strand). Cytogenetic location: 6q22.33.
Variant type: Indel.
Coding change: c.7771_7772delinsT on transcript NM_000426.4 (MANE Select); coding-DNA positions 7771 to 7772, AA replaced by T.
Protein change: p.Asn2591fs; shifts the reading frame from asparagine 2591.
Molecular consequence: frameshift variant.
Genome position (GRCh38, 1-based): chr6:129,486,495-129,486,496, AA replaced by T. VCF-style: chr6-129486495-AA-T. GRCh37 (hg19) VCF-style: chr6-129807640-AA-T.
Other names: c.7759_7760delinsT, p.Asn2587fs (NM_001079823.2); short protein forms N2587fs, N2591fs.
Identifiers: ClinVar variation 1726218 (VCV001726218.3), dbSNP rs2533490596, ClinGen allele CA2580074968.